The following is an entry in ClinVar:

NM_170699.3(GPBAR1):c.239G>A (p.Arg80Gln)

Gene: GPBAR1 (G protein-coupled bile acid receptor 1; plus strand). Cytogenetic location: 2q35.
Variant type: single nucleotide variant.
Coding change: c.239G>A on transcript NM_170699.3 (MANE Select); coding-DNA position 239, G replaced by A.
Protein change: p.Arg80Gln; replaces arginine 80 with glutamine.
Molecular consequence: missense variant.
Genome position (GRCh38, 1-based): chr2:218,262,963, G>A. VCF-style: chr2-218262963-G-A. GRCh37 (hg19) VCF-style: chr2-219127686-G-A.
Other names: c.239G>A, p.Arg80Gln (NM_001077191.2, NM_001077194.2, NM_001321950.2); c.239G>A (NM_001321950.1); short protein forms R80Q.
Identifiers: ClinVar variation 502518 (VCV000502518.6), dbSNP rs201747442, ClinGen allele CA2102543.
Genomic context (GRCh38, chr2:218,262,963, plus strand): 5'-CTGGGCTGCTCACGGGTCTGGCATTGCCCACATTGCCAGGGCTGTGGAACCAGAGTCGCC[G>A]GGGTTACTGGTCCTGCCTCCTCGTCTACTTGGCTCCCAACTTCTCCTTCCTCTCCCTGCT-3'
Protein context (NP_733800.1, residues 70-90): TLPGLWNQSR[Arg80Gln]GYWSCLLVYL

ClinVar aggregate classification (germline): Uncertain significance. Review status: criteria provided, multiple submitters, no conflicts (2 of 4 stars). 2 submissions from 2 submitters: Uncertain significance (2). Last evaluated 2023-03-02.

Conditions:
GPBAR1-related disorder. Also called: GPBAR1-related condition.

Allele frequency attached by ClinVar (database versions not stated): gnomAD exomes 0.00005; TOPMed 0.00005; gnomAD 0.00007; ExAC 0.00008; ESP Exome Variant Server 0.00016.

Submissions (2):

PreventionGenetics, part of Exact Sciences
Classification: Uncertain significance for GPBAR1-related condition. Last evaluated: 2023-03-02. Review status: criteria provided, single submitter. Criteria: ACMG Guidelines, 2015. Collection method: clinical testing. Allele origin: germline.
Comment: The GPBAR1 c.239G>A variant is predicted to result in the amino acid substitution p.Arg80Gln. To our knowledge, this variant has not been reported in the literature. This variant is reported in 0.14% of alleles in individuals of Ashkenazi Jewish descent in gnomAD. At this time, the clinical significance of this variant is uncertain due to the absence of conclusive functional and genetic evidence.

Eurofins Ntd Llc (ga)
Classification: Uncertain significance. Last evaluated: 2017-06-08. Review status: criteria provided, single submitter. Criteria: EGL Classification Definitions 2015. Collection method: clinical testing. Allele origin: germline. Observed: 1 variant allele, 1 heterozygote.